The following is an entry in ClinVar:

ClinVar aggregate classification (germline): Uncertain significance (1 of 4 stars; one submission).

Conditions:
PGM1-congenital disorder of glycosylation. Also called: Congenital disorder of glycosylation type 1t; PHOSPHOGLUCOMUTASE 1 DEFICIENCY; PGM1 DEFICIENCY; GLYCOGEN STORAGE DISEASE XIV; GSD XIV; CDG It. Identifiers: Orphanet 319646, MedGen C2752015, MONDO:0013968, OMIM 614921.

Allele frequency attached by ClinVar (database versions not stated): gnomAD exomes 0.00010; ESP Exome Variant Server 0.00015; ExAC 0.00018; TOPMed 0.00020; gnomAD 0.00029; 1000 Genomes Project 30x 0.00062; 1000 Genomes Project 0.00080.
gnomAD v4.1: 187 of 1,614,004 alleles (0.012%); highest among the groups gnomAD compares: East Asian, 0.13%; no homozygotes.

Submission:

Labcorp Genetics (formerly Invitae), Labcorp
Classification: Uncertain significance for PGM1-congenital disorder of glycosylation. Last evaluated: 2022-10-13. Review status: criteria provided, single submitter. Criteria: Invitae Variant Classification Sherloc (09022015). Collection method: clinical testing. Allele origin: germline.
Comment: This sequence change replaces valine, which is neutral and non-polar, with isoleucine, which is neutral and non-polar, at codon 525 of the PGM1 protein (p.Val525Ile). This variant is present in population databases (rs138680029, gnomAD 0.07%). This variant has not been reported in the literature in individuals affected with PGM1-related conditions. Advanced modeling of protein sequence and biophysical properties (such as structural, functional, and spatial information, amino acid conservation, physicochemical variation, residue mobility, and thermodynamic stability) performed at Invitae indicates that this missense variant is not expected to disrupt PGM1 protein function. In summary, the available evidence is currently insufficient to determine the role of this variant in disease. Therefore, it has been classified as a Variant of Uncertain Significance.

NM_002633.3(PGM1):c.1573G>A (p.Val525Ile)

Gene: PGM1 (phosphoglucomutase 1; plus strand). Cytogenetic location: 1p31.3.
Variant type: single nucleotide variant.
Coding change: c.1573G>A on transcript NM_002633.3 (MANE Select); coding-DNA position 1573, G replaced by A.
Protein change: p.Val525Ile; replaces valine 525 with isoleucine.
Molecular consequence: missense variant.
Genome position (GRCh38, 1-based): chr1:63,654,440, G>A. VCF-style: chr1-63654440-G-A. GRCh37 (hg19) VCF-style: chr1-64120111-G-A.
Other names: c.1627G>A, p.Val543Ile (NM_001172818.1); c.982G>A, p.Val328Ile (NM_001172819.2); short protein forms V525I, V328I, V543I.
Identifiers: ClinVar variation 2071225 (VCV002071225.1), dbSNP rs138680029, ClinGen allele CA889901.
Genomic context (GRCh38, chr1:63,654,440, plus strand): 5'-AGCGGCACTGGGAGTGCCGGGGCCACCATTCGGCTGTACATCGATAGCTATGAGAAGGAC[G>A]TTGCCAAGATTAACCAGGACCCCCAGGTAACGCCCAGCCCTGTGCCCTGGTTAGTTCTTT-3'
Protein context (NP_002624.2, residues 515-535): RLYIDSYEKD[Val525Ile]AKINQDPQVM